The following is an entry in ClinVar:

NM_000329.3(RPE65):c.12-2A>T

Gene: RPE65 (retinoid isomerohydrolase RPE65; minus strand). Cytogenetic location: 1p31.3.
Variant type: single nucleotide variant.
Coding change: c.12-2A>T on transcript NM_000329.3 (MANE Select); the canonical splice acceptor site of the intron before coding-DNA position 12, A replaced by T.
Molecular consequence: splice acceptor variant. On other transcripts: intron variant (1).
Genome position (GRCh38, 1-based): chr1:68,448,708, T>A on the plus strand (A>T on the coding strand, the complement: RPE65 is on the minus strand). VCF-style: chr1-68448708-T-A. GRCh37 (hg19) VCF-style: chr1-68914391-T-A.
Other names: c.-183+1187A>T (NM_001406857.1); c.-114-2A>T (NM_001406856.1); c.12-2A>T (NM_001406853.1, NM_001406859.1, NM_001406860.1).
Identifiers: ClinVar variation 2921591 (VCV002921591.3), dbSNP rs1400678650, ClinGen allele CA340750359.

ClinVar aggregate classification (germline): Likely pathogenic (1 of 4 stars; one submission).

Conditions:
Leber congenital amaurosis 2 (LCA2). Also called: AMAUROSIS CONGENITA OF LEBER II; Autosomal Recessive RPE65-Related Retinal Degeneration. Identifiers: Orphanet 65, MedGen C1859844, MONDO:0008765, OMIM 204100. Disease mechanism: loss of function.
Retinitis pigmentosa 20 (RP20). Identifiers: Orphanet 791, MedGen C3151086, MONDO:0013425, OMIM 613794.

Submission:

Labcorp Genetics (formerly Invitae), Labcorp
Classification: Likely pathogenic for Leber congenital amaurosis 2; Retinitis pigmentosa 20. Last evaluated: 2023-12-20. Review status: criteria provided, single submitter. Criteria: Invitae Variant Classification Sherloc (09022015). Collection method: clinical testing. Allele origin: germline.
Comment: This sequence change affects an acceptor splice site in intron 1 of the RPE65 gene. It is expected to disrupt RNA splicing. Variants that disrupt the donor or acceptor splice site typically lead to a loss of protein function (PMID: 16199547), and loss-of-function variants in RPE65 are known to be pathogenic (PMID: 9326941, 9501220, 9843205, 18632300). This variant is not present in population databases (gnomAD no frequency). Disruption of this splice site has been observed in individual(s) with Leber's congenital amaurosis (PMID: 25257057). Algorithms developed to predict the effect of sequence changes on RNA splicing suggest that this variant may disrupt the consensus splice site. In summary, the currently available evidence indicates that the variant is pathogenic, but additional data are needed to prove that conclusively. Therefore, this variant has been classified as Likely Pathogenic.

Literature cited by the submitters: PubMed 16199547; PubMed 9326941; PubMed 9501220; PubMed 9843205; PubMed 18632300; PubMed 25257057.